The following is an entry in ClinVar:

NM_002076.4(GNS):c.875+2del

Gene: GNS (glucosamine (N-acetyl)-6-sulfatase; minus strand). Cytogenetic location: 12q14.3.
Variant type: Deletion.
Coding change: c.875+2del on transcript NM_002076.4 (MANE Select); the canonical splice donor site of the intron after coding-DNA position 875, one base deleted (T; older notation c.875+2delT).
Molecular consequence: splice donor variant.
Genome position (GRCh38, 1-based): chr12:64,740,604, A deleted on the plus strand (T on the coding strand, the reverse complement: GNS is on the minus strand). VCF-style (leftmost placement, unchanged base first): chr12-64740603-TA-T. GRCh37 (hg19) VCF-style: chr12-65134383-TA-T.
Identifiers: ClinVar variation 1299282 (VCV001299282.6), dbSNP rs1219484230, ClinGen allele CA605386319.

ClinVar aggregate classification (germline): Pathogenic. Review status: criteria provided, single submitter (1 of 4 stars). 3 submissions from 3 submitters: Pathogenic (1). 2 of the submissions do not count toward it. Last evaluated 2022-09-19.

Conditions:
Mucopolysaccharidosis, MPS-III-D (MPS3D). Also called: Mucopoly-saccharidosis type 3D; N-acetylglucosamine-6-sulfate sulfatase deficiency; MPS 3D; MPS IIID (Sanfilippo Syndrome Type D); MUCOPOLYSACCHARIDOSIS, TYPE IIID; N-ACETYLGLUCOSAMINE-6-SULFATASE DEFICIENCY. Identifiers: Orphanet 581, Orphanet 79272, MedGen C0086650, MONDO:0009658, OMIM 252940.

Allele frequency attached by ClinVar (database versions not stated): gnomAD 0.00001.

Submissions (3):

Labcorp Genetics (formerly Invitae), Labcorp
Classification: Pathogenic for Mucopolysaccharidosis, MPS-III-D. Last evaluated: 2022-09-19. Review status: criteria provided, single submitter. Criteria: Invitae Variant Classification Sherloc (09022015). Collection method: clinical testing. Allele origin: germline.
Comment: For these reasons, this variant has been classified as Pathogenic. Algorithms developed to predict the effect of sequence changes on RNA splicing suggest that this variant may disrupt the consensus splice site. ClinVar contains an entry for this variant (Variation ID: 1299282). Disruption of this splice site has been observed in individual(s) with mucopolysaccharidosis Type IIID (PMID: 20232353). This variant is present in population databases (no rsID available, gnomAD 0.007%). This sequence change affects a splice site in intron 7 of the GNS gene. It is expected to disrupt RNA splicing. Variants that disrupt the donor or acceptor splice site typically lead to a loss of protein function (PMID: 16199547), and loss-of-function variants in GNS are known to be pathogenic (PMID: 20232353).

Clinical Genetics DNA and cytogenetics Diagnostics Lab, Erasmus MC, Erasmus Medical Center
Classification: Pathogenic. Review status: no assertion criteria provided. Collection method: clinical testing. Allele origin: germline. Affected: yes. Study: VKGL Data-share Consensus. Not counted in ClinVar's aggregate classification.

Diagnostic Laboratory, Department of Genetics, University Medical Center Groningen
Classification: Pathogenic. Review status: no assertion criteria provided. Collection method: clinical testing. Allele origin: germline. Affected: yes. Study: VKGL Data-share Consensus. Not counted in ClinVar's aggregate classification.

Literature cited by the submitters: PubMed 20232353 (cited by Labcorp Genetics (formerly Invitae), Labcorp); PubMed 16199547 (cited by Labcorp Genetics (formerly Invitae), Labcorp).